The following is an entry in ClinVar:

NM_002693.3(POLG):c.2262_2263insCTGGACATCCCTGGCTGCTGGTTTTTCAAGCTGCCTCAC (p.His754_Lys755insLeuAspIleProGlyCysTrpPhePheLysLeuProHis)

Gene: POLG (DNA polymerase gamma, catalytic subunit; minus strand). Cytogenetic location: 15q26.1.
Variant type: Insertion.
Coding change: c.2262_2263insCTGGACATCCCTGGCTGCTGGTTTTTCAAGCTGCCTCAC on transcript NM_002693.3 (MANE Select); coding-DNA positions 2262 to 2263, CTGGACATCCCTGGCTGCTGGTTTTTCAAGCTGCCTCAC inserted.
Protein change: p.His754_Lys755insLeuAspIleProGlyCysTrpPhePheLysLeuProHis.
Molecular consequence: inframe insertion.
Genome position: GRCh38: chr15:89,323,444-89,323,445. GRCh37 (hg19): chr15:89,866,675-89,866,676.
Other names: c.2262_2263insCTGGACATCCCTGGCTGCTGGTTTTTCAAGCTGCCTCAC, p.His754_Lys755insLeuAspIleProGlyCysTrpPhePheLysLeuProHis (NM_001126131.2).
Identifiers: ClinVar variation 4728106 (VCV004728106.1).
Genomic context (GRCh38, chr15:89,323,406, plus strand): 5'-TGTGGGCCTTGAGCAGAATGAGGAAACACCACAGGACAGGCCATGACCCAGGACACACCT[T>TGTGAGGCAGCTTGAAAAACCAGCAGCCAGGGATGTCCAG]GTGAGGCAGCTTGAAAAACCAGCAGCCAGGGATGTCCACGTCGTTGTAAGGTCCATTGCC-3'

ClinVar aggregate classification (germline): Uncertain significance (1 of 4 stars; one submission).

Conditions:
Progressive sclerosing poliodystrophy (MTDPS4A). Also called: Mitochondrial DNA depletion syndrome 4A (Alpers type); ALPERS PROGRESSIVE INFANTILE POLIODYSTROPHY; NEURONAL DEGENERATION OF CHILDHOOD WITH LIVER DISEASE, PROGRESSIVE; Alpers Syndrome; ALPERS DIFFUSE DEGENERATION OF CEREBRAL GRAY MATTER WITH HEPATIC CIRRHOSIS; Alpers-Huttenlocher Syndrome. Identifiers: Orphanet 726, MedGen C0205710, MONDO:0008758, OMIM 203700.

Submission:

Labcorp Genetics (formerly Invitae), Labcorp
Classification: Uncertain significance for Progressive sclerosing poliodystrophy. Last evaluated: 2025-09-29. Review status: criteria provided, single submitter. Criteria: Invitae Variant Classification Sherloc (09022015). Collection method: clinical testing. Allele origin: germline.
Comment: This variant, c.2262_2263insCTGGACATCCCTGGCTGCTGGTTTTTCAAGCTGCCTCAC, results in the insertion of 13 amino acid(s) of the POLG protein (p.His754_Lys755insLeuAspIleProGlyCysTrpPhePheLysLeuProHis), but otherwise preserves the integrity of the reading frame. This variant is not present in population databases (gnomAD no frequency). This variant has not been reported in the literature in individuals affected with POLG-related conditions. In summary, the available evidence is currently insufficient to determine the role of this variant in disease. Therefore, it has been classified as a Variant of Uncertain Significance.